The following is an entry in ClinVar:

ClinVar aggregate classification (germline): Benign/Likely benign. Review status: criteria provided, single submitter (1 of 4 stars). 3 submissions from 1 submitter: Benign (2); Likely benign (1). Last evaluated 2018-01-12.

Conditions:
Channelopathy-associated congenital insensitivity to pain, autosomal recessive. Also called: Insensitivity to pain, channelopathy-associated; ASYMBOLIA FOR PAIN; CONGENITAL ANALGESIA, AUTOSOMAL RECESSIVE. Identifiers: Orphanet 88642, Orphanet 970, MedGen C1855739, MONDO:0009459, OMIM 243000.
Paroxysmal extreme pain disorder (PEXPD). Also called: PAIN, SUBMANDIBULAR, OCULAR, AND RECTAL, WITH FLUSHING; RECTAL PAIN, FAMILIAL; SCN9A Paroxysmal Extreme Pain Disorder (SCN9A-PEPD). Identifiers: Orphanet 46348, MedGen C1833661, MONDO:0008179, OMIM 167400.
Primary erythromelalgia. Also called: SCN9A Erythromelalgia (SCN9A-EM); primary erythermalgia. Identifiers: Orphanet 306577, Orphanet 90026, MedGen C0014805, MONDO:0007571, OMIM 133020.

Allele frequency attached by ClinVar (database versions not stated): 1000 Genomes Project 30x 0.00640; 1000 Genomes Project 0.00659; TOPMed 0.01228; gnomAD 0.01404 and 0.01421.

Submissions (3):

Illumina Laboratory Services, Illumina
Classification: Benign for Primary erythromelalgia. Last evaluated: 2018-01-12. Review status: criteria provided, single submitter. Criteria: ICSL Variant Classification Criteria 13 December 2019. Collection method: clinical testing. Allele origin: germline.
Comment: This variant was observed in the ICSL laboratory as part of a predisposition screen in an ostensibly healthy population. It had not been previously curated by ICSL or reported in the Human Gene Mutation Database (HGMD: prior to June 1st, 2018), and was therefore a candidate for classification through an automated scoring system. Utilizing variant allele frequency, disease prevalence and penetrance estimates, and inheritance mode, an automated score was calculated to assess if this variant is too frequent to cause the disease. Based on the score and internal cut-off values, a variant classified as benign is not then subjected to further curation. The score for this variant resulted in a classification of benign for this disease.

Illumina Laboratory Services, Illumina
Classification: Likely benign for Channelopathy-associated congenital insensitivity to pain, autosomal recessive. Last evaluated: 2018-01-12. Review status: criteria provided, single submitter. Criteria: ICSL Variant Classification Criteria 13 December 2019. Collection method: clinical testing. Allele origin: germline.
Comment: This variant was observed in the ICSL laboratory as part of a predisposition screen in an ostensibly healthy population. It had not been previously curated by ICSL or reported in the Human Gene Mutation Database (HGMD: prior to June 1st, 2018), and was therefore a candidate for classification through an automated scoring system. Utilizing variant allele frequency, disease prevalence and penetrance estimates, and inheritance mode, an automated score was calculated to assess if this variant is too frequent to cause the disease. Based on the score and internal cut-off values, a variant classified as likely benign is not then subjected to further curation. The score for this variant resulted in a classification of likely benign for this disease.

Illumina Laboratory Services, Illumina
Classification: Benign for Paroxysmal extreme pain disorder. Last evaluated: 2018-01-12. Review status: criteria provided, single submitter. Criteria: ICSL Variant Classification Criteria 13 December 2019. Collection method: clinical testing. Allele origin: germline.
Comment: the same text as in the submission from Illumina Laboratory Services, Illumina above.

NM_001365536.1(SCN9A):c.*3038C>T

Genes: SCN1A-AS1 (SCN1A and SCN9A antisense RNA 1; plus strand), SCN9A (sodium voltage-gated channel alpha subunit 9; minus strand). Cytogenetic location: 2q24.3.
Variant type: single nucleotide variant.
Coding change: c.*3038C>T on transcript NM_001365536.1 (MANE Select); 3038 bases downstream of the stop codon, C replaced by T.
Molecular consequence: 3 prime UTR variant.
Genome position (GRCh38, 1-based): chr2:166,195,634, G>A on the plus strand (C>T on the coding strand, the complement: SCN9A is on the minus strand). VCF-style: chr2-166195634-G-A. GRCh37 (hg19) VCF-style: chr2-167052144-G-A.
Other names: c.*3038C>T (NM_002977.4).
Identifiers: ClinVar variation 331899 (VCV000331899.6), dbSNP rs115766730, ClinGen allele CA10611205.